The following is an entry in ClinVar:

NM_001376.5(DYNC1H1):c.3565-10A>C

Gene: DYNC1H1 (dynein cytoplasmic 1 heavy chain 1; plus strand). Cytogenetic location: 14q32.31.
Variant type: single nucleotide variant.
Coding change: c.3565-10A>C on transcript NM_001376.5 (MANE Select); 10 bases into the intron before coding-DNA position 3565, A replaced by C.
Molecular consequence: intron variant.
Genome position (GRCh38, 1-based): chr14:101,997,025, A>C. VCF-style: chr14-101997025-A-C. GRCh37 (hg19) VCF-style: chr14-102463362-A-C.
Identifiers: ClinVar variation 387113 (VCV000387113.1), dbSNP rs1057522697, ClinGen allele CA16607529.

ClinVar aggregate classification (germline): Likely benign (1 of 4 stars; one submission).

Submission:

GeneDx
Classification: Likely benign. Last evaluated: 2016-06-20. Review status: criteria provided, single submitter. Criteria: GeneDx Variant Classification (06012015). Collection method: clinical testing. Allele origin: germline. Affected: yes.
Comment: This variant is considered likely benign or benign based on one or more of the following criteria: it is a conservative change, it occurs at a poorly conserved position in the protein, it is predicted to be benign by multiple in silico algorithms, and/or has population frequency not consistent with disease.